The following is an entry in ClinVar:

NM_004415.4(DSP):c.7657A>G (p.Ser2553Gly)

Gene: DSP (desmoplakin; plus strand). Cytogenetic location: 6p24.3.
Variant type: single nucleotide variant.
Coding change: c.7657A>G on transcript NM_004415.4 (MANE Select); coding-DNA position 7657, A replaced by G.
Protein change: p.Ser2553Gly; replaces serine 2553 with glycine.
Molecular consequence: missense variant.
Genome position (GRCh38, 1-based): chr6:7,584,919, A>G. VCF-style: chr6-7584919-A-G. GRCh37 (hg19) VCF-style: chr6-7585152-A-G.
Other names: c.5860A>G, p.Ser1954Gly (NM_001008844.3); c.6328A>G, p.Ser2110Gly (NM_001319034.2); short protein forms S2110G, S1954G, S2553G.
Identifiers: ClinVar variation 966818 (VCV000966818.13), dbSNP rs769601021, ClinGen allele CA133976392.
Genomic context (GRCh38, chr6:7,584,919, plus strand): 5'-GCTATTGACAAGGGCCTTGTTGACAGGAAGTTCTTTGATCAGTACCGATCCGGCAGCCTC[A>G]GCCTCACTCAATTTGCTGACATGATCTCCTTGAAAAATGGTGTCGGCACCAGCAGCAGCA-3'
Protein context (NP_004406.2, residues 2543-2563): FFDQYRSGSL[Ser2553Gly]LTQFADMISL

ClinVar aggregate classification (germline): Uncertain significance. Review status: criteria provided, multiple submitters, no conflicts (2 of 4 stars). 5 submissions from 5 submitters: Uncertain significance (5). Last evaluated 2025-07-25.

Conditions:
Cardiovascular phenotype. Identifiers: MedGen CN230736.
Cardiomyopathy (CMYO). Also called: Cardiomyopathies. Identifiers: Orphanet 167848, MedGen C0878544, MONDO:0004994, HP:0001638. Inheritance: Various modes of inheritance.
Arrhythmogenic cardiomyopathy with wooly hair and keratoderma. Also called: Carvajal syndrome; PALMOPLANTAR KERATODERMA WITH LEFT VENTRICULAR CARDIOMYOPATHY AND WOOLLY HAIR; Arrhythmogenic cardiomyopathy with woolly hair and keratoderma; Dilated cardiomyopathy with woolly hair and keratoderma. Identifiers: Orphanet 65282, MedGen C1854063, MONDO:0011581, OMIM 605676.
Arrhythmogenic right ventricular dysplasia 8 (ARVD8). Also called: ARRHYTHMOGENIC RIGHT VENTRICULAR DYSPLASIA, FAMILIAL, 8; ARRHYTHMOGENIC RIGHT VENTRICULAR CARDIOMYOPATHY 8; Arrhythmogenic Right Ventricular Dysplasia/Cardiomyopathy 8. Identifiers: MedGen C1843896, MONDO:0011831, OMIM 607450.

Allele frequency attached by ClinVar (database versions not stated): gnomAD exomes below 0.00001 and 0.00002.

Submissions (5):

Ambry Genetics
Classification: Uncertain significance for Cardiovascular phenotype. Last evaluated: 2025-07-25. Review status: criteria provided, single submitter. Criteria: Ambry Variant Classification Scheme 2023. Collection method: clinical testing. Allele origin: germline.
Comment: The p.S2553G variant (also known as c.7657A>G), located in coding exon 24 of the DSP gene, results from an A to G substitution at nucleotide position 7657. The serine at codon 2553 is replaced by glycine, an amino acid with similar properties. This variant was reported in individual(s) with features consistent with dilated cardiomyopathy (Mazzarotto F et al. Circulation, 2020 Feb;141:387-398). This amino acid position is well conserved in available vertebrate species. In addition, the in silico prediction for this alteration is inconclusive. Based on the available evidence, the clinical significance of this variant remains unclear.

Color Diagnostics, LLC DBA Color Health
Classification: Uncertain significance for Cardiomyopathy. Last evaluated: 2024-09-23. Review status: criteria provided, single submitter. Criteria: ACMG Guidelines, 2015. Collection method: clinical testing. Allele origin: germline.
Comment: This missense variant replaces serine with glycine at codon 2553 of the DSP protein. Computational prediction suggests that this variant may not impact protein structure and function. To our knowledge, functional studies have not been reported for this variant. This variant has not been reported in individuals affected with DSP-related disorders in the literature. This variant has been identified in 1/251492 chromosomes in the general population by the Genome Aggregation Database (gnomAD). The available evidence is insufficient to determine the role of this variant in disease conclusively. Therefore, this variant is classified as a Variant of Uncertain Significance.

Labcorp Genetics (formerly Invitae), Labcorp
Classification: Uncertain significance for Arrhythmogenic cardiomyopathy with wooly hair and keratoderma; Arrhythmogenic right ventricular dysplasia 8. Last evaluated: 2024-02-27. Review status: criteria provided, single submitter. Criteria: Invitae Variant Classification Sherloc (09022015). Collection method: clinical testing. Allele origin: germline.
Comment: This sequence change replaces serine, which is neutral and polar, with glycine, which is neutral and non-polar, at codon 2553 of the DSP protein (p.Ser2553Gly). This variant is present in population databases (rs769601021, gnomAD 0.0009%). This missense change has been observed in individual(s) with dilated cardiomyopathy (PMID: 31983221). ClinVar contains an entry for this variant (Variation ID: 966818). An algorithm developed to predict the effect of missense changes on protein structure and function (PolyPhen-2) suggests that this variant is likely to be disruptive. In summary, the available evidence is currently insufficient to determine the role of this variant in disease. Therefore, it has been classified as a Variant of Uncertain Significance.

All of Us Research Program, National Institutes of Health
Classification: Uncertain significance for Arrhythmogenic cardiomyopathy with wooly hair and keratoderma. Last evaluated: 2023-05-31. Review status: criteria provided, single submitter. Criteria: ACMG Guidelines, 2015. Collection method: clinical testing. Allele origin: germline. Inheritance: Autosomal dominant inheritance. Observed: 1 variant allele, 1 heterozygote.
Comment: This study involves interpretation of variants in research participants for the purpose of population health screening. Participant phenotype was not available at the time of variant classification. Additional details can be found in publication PMID: 35346344, PMCID: PMC8962531

Blueprint Genetics
Classification: Uncertain significance. Last evaluated: 2018-07-18. Review status: criteria provided, single submitter. Criteria: ACMG Guidelines, 2015. Collection method: clinical testing. Allele origin: germline.

Literature cited by the submitters: PubMed 31983221 (cited by Ambry Genetics and Labcorp Genetics (formerly Invitae), Labcorp).